The following is an entry in ClinVar:

NM_001365951.3(KIF1B):c.2190GGA[1] (p.Glu736del)

Gene: KIF1B (kinesin family member 1B; plus strand). Cytogenetic location: 1p36.22.
Variant type: Microsatellite.
Coding change: c.2190GGA[1] on transcript NM_001365951.3 (MANE Select); one copy of the 3-base unit GGA starting at c.2190; the reference has two copies in a row; one copy, 3 bases deleted.
Protein change: p.Glu736del; deletes glutamic acid 736.
Molecular consequence: inframe deletion.
Genome position (GRCh38, 1-based): chr1:10,320,120-10,320,122, GGA deleted; deleting any 3 consecutive bases within chr1:10,320,115-10,320,122 gives the same sequence; the position shown is the placement nearest the transcript's 3' end. VCF-style (leftmost placement, unchanged base first): chr1-10320114-AGAG-A. GRCh37 (hg19) VCF-style: chr1-10380172-AGAG-A.
Other names: c.2055_2057delGGA (NM_015074.3); c.2190GGA[1], p.Glu736del (NM_001365952.1); c.2052GGA[1], p.Glu690del (NM_015074.3); short protein forms E690del, E736del.
Identifiers: ClinVar variation 1512749 (VCV001512749.10), dbSNP rs770689187, ClinGen allele CA581464.

ClinVar aggregate classification (germline): Uncertain significance. Review status: criteria provided, multiple submitters, no conflicts (2 of 4 stars). 2 submissions from 2 submitters: Uncertain significance (2). Last evaluated 2023-07-17.

Conditions:
Charcot-Marie-Tooth disease type 2. Also called: Charcot-Marie-Tooth type 2. Identifiers: Orphanet 64746, MedGen C0270914, MONDO:0018993.

Submissions (2):

Ambry Genetics
Classification: Uncertain significance. Last evaluated: 2023-07-17. Review status: criteria provided, single submitter. Criteria: Ambry Variant Classification Scheme 2023. Collection method: clinical testing. Allele origin: germline.
Comment: The c.2055_2057delGGA variant (also known as p.E690del) is located in coding exon 20 of the KIF1B gene. This variant results from an in-frame GGA deletion at nucleotide positions 2055 to 2057. This results in the in-frame deletion of a glutamic acid at codon 690. This amino acid position is highly conserved in available vertebrate species. The evidence for this gene-disease relationship is limited; therefore, the clinical significance of this alteration is unclear.

Labcorp Genetics (formerly Invitae), Labcorp
Classification: Uncertain significance for Charcot-Marie-Tooth disease type 2. Last evaluated: 2020-12-11. Review status: criteria provided, single submitter. Criteria: Invitae Variant Classification Sherloc (09022015). Collection method: clinical testing. Allele origin: germline.
Comment: In summary, the available evidence is currently insufficient to determine the role of this variant in disease. Therefore, it has been classified as a Variant of Uncertain Significance. Experimental studies and prediction algorithms are not available or were not evaluated, and the functional significance of this variant is currently unknown. This variant has not been reported in the literature in individuals with KIF1B-related conditions. This variant is present in population databases (rs770689187, ExAC 0.002%). This variant, c.2055_2057del, results in the deletion of 1 amino acid(s) of the KIF1B protein (p.Glu690del), but otherwise preserves the integrity of the reading frame.